The following is an entry in ClinVar:

ClinVar aggregate classification (germline): Pathogenic (1 of 4 stars; one submission).

Conditions:
Niemann-Pick disease, type C1. Also called: NEUROVISCERAL STORAGE DISEASE WITH VERTICAL SUPRANUCLEAR OPHTHALMOPLEGIA; NIEMANN-PICK DISEASE WITH CHOLESTEROL ESTERIFICATION BLOCK; NIEMANN-PICK DISEASE WITHOUT SPHINGOMYELINASE DEFICIENCY; NIEMANN-PICK DISEASE, CHRONIC NEURONOPATHIC FORM; NIEMANN-PICK DISEASE, VARIANT TYPE C1. Identifiers: Orphanet 646, MedGen C3179455, MONDO:0009757, OMIM 257220.

Submission:

Myriad Genetics, Inc.
Classification: Pathogenic for Niemann-Pick disease, type C1. Last evaluated: 2024-11-20. Review status: criteria provided, single submitter. Criteria: Myriad Autosomal Dominant, Autosomal Recessive and X-Linked Classification Criteria (2023). Collection method: clinical testing. Allele origin: unknown.
Comment: NM_000271.4(NPC1):c.889dupT(Y297Lfs*11) is expected to be pathogenic in the context of Niemann-Pick disease type C1. This variant is predicted to lead to an abnormal or absent protein product due to the creation of a premature termination codon in NPC1, a gene where loss-of-function variants are known to be pathogenic. Please note: this variant was assessed in the context of healthy population screening.

NM_000271.5(NPC1):c.889dup (p.Tyr297fs)

Gene: NPC1 (NPC intracellular cholesterol transporter 1; minus strand). Cytogenetic location: 18q11.2.
Variant type: Duplication.
Coding change: c.889dup on transcript NM_000271.5 (MANE Select); coding-DNA position 889, one base duplicated (T; older notation c.889dupT).
Protein change: p.Tyr297fs; shifts the reading frame from tyrosine 297.
Molecular consequence: frameshift variant.
Genome position (GRCh38, 1-based): chr18:23,557,183, A duplicated on the plus strand (T on the coding strand, the reverse complement: NPC1 is on the minus strand). VCF-style (leftmost placement, unchanged base first): chr18-23557182-T-TA. GRCh37 (hg19) VCF-style: chr18-21137146-T-TA.
Other names: short protein forms Y297fs.
Identifiers: ClinVar variation 5013774 (VCV005013774.1).
Genomic context (GRCh38, chr18:23,557,182, plus strand): 5'-TCACTTGCATTAACAGAAAAAGCTATATTGCTATCGATGGGAGTGTACTCGGAGACAAAA[T>TA]ACCGTTTTCTGAAAAACAGAAGTGAAGAAATAGCATTAGTGGACTTCATCACAGTGAGGT-3'